The following is an entry in ClinVar:

ClinVar aggregate classification (germline): Benign (1 of 4 stars; one submission).

Conditions:
Metachromatic leukodystrophy (MLD). Also called: ARSA DEFICIENCY; CEREBROSIDE SULFATASE DEFICIENCY; METACHROMATIC LEUKOENCEPHALOPATHY; SULFATIDE LIPIDOSIS; Cerebral sclerosis diffuse metachromatic form; Arylsulfatase A Deficiency. Identifiers: Orphanet 512, MedGen C0023522, MONDO:0018868, OMIM 250100.

Allele frequency attached by ClinVar (database versions not stated): gnomAD 0.13503 and 0.13585; TOPMed 0.15316; 1000 Genomes Project 0.17732; 1000 Genomes Project 30x 0.18098.

Submission:

Illumina Laboratory Services, Illumina
Classification: Benign for Metachromatic leukodystrophy. Last evaluated: 2018-01-12. Review status: criteria provided, single submitter. Criteria: ICSL Variant Classification Criteria 13 December 2019. Collection method: clinical testing. Allele origin: germline.
Comment: This variant was observed in the ICSL laboratory as part of a predisposition screen in an ostensibly healthy population. It had not been previously curated by ICSL or reported in the Human Gene Mutation Database (HGMD: prior to June 1st, 2018), and was therefore a candidate for classification through an automated scoring system. Utilizing variant allele frequency, disease prevalence and penetrance estimates, and inheritance mode, an automated score was calculated to assess if this variant is too frequent to cause the disease. Based on the score and internal cut-off values, a variant classified as benign is not then subjected to further curation. The score for this variant resulted in a classification of benign for this disease.

NM_000487.6(ARSA):c.*741C>T

Gene: ARSA (arylsulfatase A; minus strand). Cytogenetic location: 22q13.33.
Variant type: single nucleotide variant.
Coding change: c.*741C>T on transcript NM_000487.6 (MANE Select); 741 bases downstream of the stop codon, C replaced by T.
Molecular consequence: 3 prime UTR variant.
Genome position (GRCh38, 1-based): chr22:50,624,404, G>A on the plus strand (C>T on the coding strand, the complement: ARSA is on the minus strand). VCF-style: chr22-50624404-G-A. GRCh37 (hg19) VCF-style: chr22-51062832-G-A.
Other names: c.*741C>T (NM_001085425.3, NM_001085426.3, NM_001085427.3 and 2 more transcripts).
Identifiers: ClinVar variation 342219 (VCV000342219.5), dbSNP rs8142033, ClinGen allele CA10653695.